The following is an entry in ClinVar:

NM_152443.3(RDH12):c.380G>A (p.Gly127Glu)

Genes: GPHN (gephyrin; plus strand), RDH12 (retinol dehydrogenase 12; plus strand). Cytogenetic location: 14q24.1.
Variant type: single nucleotide variant.
Coding change: c.380G>A on transcript NM_152443.3 (MANE Select); coding-DNA position 380, G replaced by A.
Protein change: p.Gly127Glu; replaces glycine 127 with glutamic acid.
Molecular consequence: missense variant.
Genome position (GRCh38, 1-based): chr14:67,726,087, G>A. VCF-style: chr14-67726087-G-A. GRCh37 (hg19) VCF-style: chr14-68192804-G-A.
Other names: short protein forms G127E.
Identifiers: ClinVar variation 1517350 (VCV001517350.8), dbSNP rs2140143704, ClinGen allele CA390150086.

ClinVar aggregate classification (germline): Uncertain significance (1 of 4 stars; one submission).

Conditions:
Leber congenital amaurosis 13 (LCA13). Identifiers: MedGen C2675186, MONDO:0012990, OMIM 612712.

Submission:

Labcorp Genetics (formerly Invitae), Labcorp
Classification: Uncertain significance for Leber congenital amaurosis 13. Last evaluated: 2021-03-18. Review status: criteria provided, single submitter. Criteria: Invitae Variant Classification Sherloc (09022015). Collection method: clinical testing. Allele origin: germline.
Comment: In summary, the available evidence is currently insufficient to determine the role of this variant in disease. Therefore, it has been classified as a Variant of Uncertain Significance. Algorithms developed to predict the effect of missense changes on protein structure and function (SIFT, PolyPhen-2, Align-GVGD) all suggest that this variant is likely to be disruptive, but these predictions have not been confirmed by published functional studies and their clinical significance is uncertain. This variant has been observed in individual(s) with retinitis pigmentosa (Invitae). In at least one individual the data is consistent with the variant being in trans (on the opposite chromosome) from a pathogenic variant. This variant is not present in population databases (ExAC no frequency). This sequence change replaces glycine with glutamic acid at codon 127 of the RDH12 protein (p.Gly127Glu). The glycine residue is highly conserved and there is a moderate physicochemical difference between glycine and glutamic acid.